The following is an entry in ClinVar:

NM_004055.5(CAPN5):c.355G>A (p.Gly119Ser)

Gene: CAPN5 (calpain 5; plus strand). Cytogenetic location: 11q13.5.
Variant type: single nucleotide variant.
Coding change: c.355G>A on transcript NM_004055.5 (MANE Select); coding-DNA position 355, G replaced by A.
Protein change: p.Gly119Ser; replaces glycine 119 with serine.
Molecular consequence: missense variant.
Genome position (GRCh38, 1-based): chr11:77,112,646, G>A. VCF-style: chr11-77112646-G-A. GRCh37 (hg19) VCF-style: chr11-76823692-G-A.
Other names: short protein forms G119S.
Identifiers: ClinVar variation 1017068 (VCV001017068.8), dbSNP rs1950423612, ClinGen allele CA381936847.

ClinVar aggregate classification (germline): Uncertain significance (1 of 4 stars; one submission).

Submission:

Labcorp Genetics (formerly Invitae), Labcorp
Classification: Uncertain significance. Last evaluated: 2022-08-23. Review status: criteria provided, single submitter. Criteria: Invitae Variant Classification Sherloc (09022015). Collection method: clinical testing. Allele origin: germline.
Comment: In summary, the available evidence is currently insufficient to determine the role of this variant in disease. Therefore, it has been classified as a Variant of Uncertain Significance. Algorithms developed to predict the effect of missense changes on protein structure and function are either unavailable or do not agree on the potential impact of this missense change (SIFT: "Deleterious"; PolyPhen-2: "Probably Damaging"; Align-GVGD: "Class C0"). ClinVar contains an entry for this variant (Variation ID: 1017068). This variant has not been reported in the literature in individuals affected with CAPN5-related conditions. This variant is not present in population databases (gnomAD no frequency). This sequence change replaces glycine, which is neutral and non-polar, with serine, which is neutral and polar, at codon 119 of the CAPN5 protein (p.Gly119Ser).